The following is an entry in ClinVar:

ClinVar aggregate classification (germline): Pathogenic (1 of 4 stars; one submission).

Submission:

GeneDx
Classification: Pathogenic. Last evaluated: 2015-12-17. Review status: criteria provided, single submitter. Criteria: GeneDx Variant Classification (06012015). Collection method: clinical testing. Allele origin: germline. Affected: yes.
Comment: The c.199-2 A>C splice site variant in the SLC25A20 gene destroys the canonical splice acceptor site in intron 2. It is predicted to cause abnormal gene splicing, either leading to an abnormal message that is subject to nonsense-mediated mRNA decay, or to an abnormal protein product if the message is used for protein translation. Although this variant has not been previously reported to our knowledge, it is expected to be a pathogenic variant.

NM_000387.6(SLC25A20):c.199-2A>C

Gene: SLC25A20 (solute carrier family 25 member 20; minus strand). Cytogenetic location: 3p21.31.
Variant type: single nucleotide variant.
Coding change: c.199-2A>C on transcript NM_000387.6 (MANE Select); the canonical splice acceptor site of the intron before coding-DNA position 199, A replaced by C.
Molecular consequence: splice acceptor variant.
Genome position (GRCh38, 1-based): chr3:48,884,126, T>G on the plus strand (A>C on the coding strand, the complement: SLC25A20 is on the minus strand). VCF-style: chr3-48884126-T-G. GRCh37 (hg19) VCF-style: chr3-48921559-T-G.
Identifiers: ClinVar variation 449618 (VCV000449618.2), dbSNP rs1553686345, ClinGen allele CA352634906.
Genomic context (GRCh38, chr3:48,884,126, plus strand): 5'-AACATGGGAGTGACCCCGATGATAGGGGCAGCCATTCCCCGATATAGCCCCGTGATGCCC[T>G]GCAAGGAATCACAGAAGCAGAAGCTGTTTACAGACACCACCACCTTTTAAATCACTGAAA-3'